The following is an entry in ClinVar:

NM_004104.5(FASN):c.840C>T (p.Ala280=)

Gene: FASN (fatty acid synthase; minus strand). Cytogenetic location: 17q25.3.
Variant type: single nucleotide variant.
Coding change: c.840C>T on transcript NM_004104.5 (MANE Select); coding-DNA position 840, C replaced by T.
Protein change: p.Ala280=; no amino-acid change (alanine 280 retained).
Molecular consequence: synonymous variant.
Genome position (GRCh38, 1-based): chr17:82,092,751, G>A on the plus strand (C>T on the coding strand, the complement: FASN is on the minus strand). VCF-style: chr17-82092751-G-A. GRCh37 (hg19) VCF-style: chr17-80050627-G-A.
Other names: c.840C>T (NM_004104.4).
Identifiers: ClinVar variation 1086080 (VCV001086080.11), dbSNP rs772354609, ClinGen allele CA8853365.
Genomic context (GRCh38, chr17:82,092,751, plus strand): 5'-CATCACCTTGGTGCCTGTGCCGTGGGCTTCGATGTATTCAAATGACTCAGGGGCCACTCC[G>A]GCCGACTGGTACAACGAGCGGATGAGCTGCTCCTGGATATCCCCTGAGGGGAAGGTCACG-3'
Protein context (NP_004095.4, residues 270-290): EQLIRSLYQS[Ala280=]GVAPESFEYI

ClinVar aggregate classification (germline): Likely benign. Review status: criteria provided, single submitter (1 of 4 stars). 2 submissions from 2 submitters: Likely benign (1). 1 of the submissions does not count toward it. Last evaluated 2025-06-22.

Conditions:
Epileptic encephalopathy. Identifiers: MedGen C0543888, HP:0200134.
FASN-related disorder. Also called: FASN-related condition.

Allele frequency attached by ClinVar (database versions not stated): gnomAD 0.00006; gnomAD exomes 0.00007; ExAC 0.00008; TOPMed 0.00008.
gnomAD v4.1: 123 of 1,605,442 alleles (0.0077%); highest among the groups gnomAD compares: South Asian, 0.012%; no homozygotes.

Submissions (2):

Labcorp Genetics (formerly Invitae), Labcorp
Classification: Likely benign for Epileptic encephalopathy. Last evaluated: 2025-06-22. Review status: criteria provided, single submitter. Criteria: Invitae Variant Classification Sherloc (09022015). Collection method: clinical testing. Allele origin: germline.

PreventionGenetics, part of Exact Sciences
Classification: Likely benign for FASN-related condition. Last evaluated: 2019-04-01. Review status: no assertion criteria provided. Collection method: clinical testing. Allele origin: germline. Not counted in ClinVar's aggregate classification.
Comment: This variant is classified as likely benign based on ACMG/AMP sequence variant interpretation guidelines (Richards et al. 2015 PMID: 25741868, with internal and published modifications).